The following is an entry in ClinVar:

NM_001159773.2(CANT1):c.549del (p.Thr184fs)

Gene: CANT1 (calcium activated nucleotidase 1; minus strand). Cytogenetic location: 17q25.3.
Variant type: Deletion.
Coding change: c.549del on transcript NM_001159773.2 (MANE Select); coding-DNA position 549, one base deleted (G; older notation c.549delG).
Protein change: p.Thr184fs; shifts the reading frame from threonine 184.
Molecular consequence: frameshift variant.
Genome position (GRCh38, 1-based): chr17:78,997,074, C deleted on the plus strand (G on the coding strand, the reverse complement: CANT1 is on the minus strand); the first of 2 consecutive C bases (chr17:78,997,074-78,997,075); deleting either gives the same sequence. VCF-style (leftmost placement, unchanged base first): chr17-78997073-TC-T. GRCh37 (hg19) VCF-style: chr17-76993155-TC-T.
Other names: c.549del, p.Thr184fs (NM_001159772.2, NM_138793.4); short protein forms T184fs.
Identifiers: ClinVar variation 2854905 (VCV002854905.3), dbSNP rs2509812481, ClinGen allele CA2739268482.

ClinVar aggregate classification (germline): Pathogenic (1 of 4 stars; one submission).

Submission:

Labcorp Genetics (formerly Invitae), Labcorp
Classification: Pathogenic. Last evaluated: 2023-04-10. Review status: criteria provided, single submitter. Criteria: Invitae Variant Classification Sherloc (09022015). Collection method: clinical testing. Allele origin: germline.
Comment: This sequence change creates a premature translational stop signal (p.Thr184Argfs*16) in the CANT1 gene. It is expected to result in an absent or disrupted protein product. Loss-of-function variants in CANT1 are known to be pathogenic (PMID: 19853239, 21037275, 22539336). This variant is not present in population databases (gnomAD no frequency). For these reasons, this variant has been classified as Pathogenic. This variant has not been reported in the literature in individuals affected with CANT1-related conditions.

Literature cited by the submitters: PubMed 19853239; PubMed 21037275; PubMed 22539336.